The following is an entry in ClinVar:

NM_001184.4(ATR):c.5601T>C (p.Leu1867=)

Gene: ATR (ATR checkpoint kinase; minus strand). Cytogenetic location: 3q23.
Variant type: single nucleotide variant.
Coding change: c.5601T>C on transcript NM_001184.4 (MANE Select); coding-DNA position 5601, T replaced by C.
Protein change: p.Leu1867=; no amino-acid change (leucine 1867 retained).
Molecular consequence: synonymous variant.
Genome position (GRCh38, 1-based): chr3:142,497,150, A>G on the plus strand (T>C on the coding strand, the complement: ATR is on the minus strand). VCF-style: chr3-142497150-A-G. GRCh37 (hg19) VCF-style: chr3-142215992-A-G.
Other names: c.5409T>C, p.Leu1803= (NM_001354579.2).
Identifiers: ClinVar variation 507508 (VCV000507508.23), dbSNP rs138891875, ClinGen allele CA2649579.

ClinVar aggregate classification (germline): Likely benign. Review status: criteria provided, multiple submitters, no conflicts (2 of 4 stars). 7 submissions from 6 submitters: Likely benign (7). Last evaluated 2026-01-29.

Conditions:
Familial cutaneous telangiectasia and oropharyngeal predisposition cancer syndrome. Identifiers: Orphanet 313846, MedGen C3281203, MONDO:0013806, OMIM 614564.
Inborn genetic diseases. Identifiers: MedGen C0950123, MeSH D030342.
Seckel syndrome 1 (SCKL1). Also called: MICROCEPHALIC PRIMORDIAL DWARFISM I. Identifiers: Orphanet 808, MedGen C4551474, MONDO:0008869, OMIM 210600.

Allele frequency attached by ClinVar (database versions not stated): gnomAD exomes 0.00004 and 0.00014; ExAC 0.00016; ESP Exome Variant Server 0.00031; 1000 Genomes Project 30x 0.00047; TOPMed 0.00056; gnomAD 0.00057 and 0.00062; 1000 Genomes Project 0.00060.
gnomAD v4.1: 152 of 1,614,126 alleles (0.0094%); highest among the groups gnomAD compares: African/African-American, 0.18%; no homozygotes.

Submissions (7):

Labcorp Genetics (formerly Invitae), Labcorp
Classification: Likely benign. Last evaluated: 2026-01-29. Review status: criteria provided, single submitter. Criteria: Invitae Variant Classification Sherloc (09022015). Collection method: clinical testing. Allele origin: germline.

CeGaT Center for Human Genetics Tuebingen
Classification: Likely benign. Last evaluated: 2025-07-01. Review status: criteria provided, single submitter. Criteria: CeGaT Center For Human Genetics Tuebingen Variant Classification Criteria Version 2. Collection method: clinical testing. Allele origin: germline. Affected: yes. Observed: 1 variant allele.
Comment: ATR: BP4, BP7

Blueprint Genetics
Classification: Likely benign. Last evaluated: 2024-10-18. Review status: criteria provided, single submitter. Criteria: ACMG Guidelines, 2015. Collection method: clinical testing. Allele origin: germline.

Genome-Nilou Lab
Classification: Likely benign for Seckel syndrome 1. Last evaluated: 2023-02-08. Review status: criteria provided, single submitter. Criteria: ACMG Guidelines, 2015. Collection method: clinical testing. Allele origin: germline.

Genome-Nilou Lab
Classification: Likely benign for Familial cutaneous telangiectasia and oropharyngeal predisposition cancer syndrome. Last evaluated: 2023-02-08. Review status: criteria provided, single submitter. Criteria: ACMG Guidelines, 2015. Collection method: clinical testing. Allele origin: germline.

Ambry Genetics
Classification: Likely benign for Inborn genetic diseases. Last evaluated: 2022-02-15. Review status: criteria provided, single submitter. Criteria: Ambry Variant Classification Scheme 2023. Collection method: clinical testing. Allele origin: germline.

GeneDx
Classification: Likely benign. Last evaluated: 2017-02-20. Review status: criteria provided, single submitter. Criteria: GeneDx Variant Classification (06012015). Collection method: clinical testing. Allele origin: germline. Affected: yes.
Comment: This variant is considered likely benign or benign based on one or more of the following criteria: it is a conservative change, it occurs at a poorly conserved position in the protein, it is predicted to be benign by multiple in silico algorithms, and/or has population frequency not consistent with disease.